The following is an entry in ClinVar:

ClinVar aggregate classification (germline): Uncertain significance (1 of 4 stars; one submission).

Conditions:
Primary ciliary dyskinesia. Also called: Ciliary dyskinesia. Identifiers: Orphanet 244, MedGen C0008780, MONDO:0016575, HP:0012265.

Submission:

Labcorp Genetics (formerly Invitae), Labcorp
Classification: Uncertain significance for Primary ciliary dyskinesia. Last evaluated: 2024-11-18. Review status: criteria provided, single submitter. Criteria: Invitae Variant Classification Sherloc (09022015). Collection method: clinical testing. Allele origin: germline.
Comment: This variant, c.3319_3321del, results in the deletion of 1 amino acid(s) of the DNAH5 protein (p.Tyr1107del), but otherwise preserves the integrity of the reading frame. This variant is present in population databases (rs776767185, gnomAD 0.003%). This variant has not been reported in the literature in individuals affected with DNAH5-related conditions. Experimental studies and prediction algorithms are not available or were not evaluated, and the functional significance of this variant is currently unknown. In summary, the available evidence is currently insufficient to determine the role of this variant in disease. Therefore, it has been classified as a Variant of Uncertain Significance.

NM_001369.3(DNAH5):c.3316TAT[1] (p.Tyr1107del)

Genes: DNAH5 (dynein axonemal heavy chain 5; minus strand), DNAH5-AS1 (DNAH5 antisense RNA 1; plus strand). Cytogenetic location: 5p15.2.
Variant type: Microsatellite.
Coding change: c.3316TAT[1] on transcript NM_001369.3 (MANE Select); one copy of the 3-base unit TAT starting at c.3316; the reference has two copies in a row; one copy, 3 bases deleted.
Protein change: p.Tyr1107del; deletes tyrosine 1107.
Molecular consequence: inframe deletion.
Genome position (GRCh38, 1-based): chr5:13,876,759-13,876,761, ATA deleted on the plus strand (TAT on the coding strand, the reverse complement: DNAH5 is on the minus strand); deleting any 3 consecutive bases within chr5:13,876,759-13,876,764 gives the same sequence; the position shown is the placement nearest the transcript's 3' end. VCF-style (leftmost placement, unchanged base first): chr5-13876758-TATA-T. GRCh37 (hg19) VCF-style: chr5-13876867-TATA-T.
Other names: short protein forms Y1107del.
Identifiers: ClinVar variation 2164391 (VCV002164391.4), dbSNP rs776767185, ClinGen allele CA3204307.